The following is an entry in ClinVar:

NM_000059.4(BRCA2):c.6100C>T (p.Arg2034Cys)

Gene: BRCA2 (BRCA2 DNA repair associated; plus strand). Cytogenetic location: 13q13.1.
Variant type: single nucleotide variant.
Coding change: c.6100C>T on transcript NM_000059.4 (MANE Select); coding-DNA position 6100, C replaced by T.
Protein change: p.Arg2034Cys; replaces arginine 2034 with cysteine.
Molecular consequence: missense variant.
Genome position (GRCh38, 1-based): chr13:32,340,455, C>T. VCF-style: chr13-32340455-C-T. GRCh37 (hg19) VCF-style: chr13-32914592-C-T.
Other names: p.R2034C:CGT>TGT; NP_000050.3:p.Arg2034Cys; 6328C>T; short protein forms R2034C.
Identifiers: ClinVar variation 41558 (VCV000041558.143), dbSNP rs1799954, ClinGen allele CA023652.

ClinVar aggregate classification (germline): Benign. Review status: reviewed by expert panel (3 of 4 stars). 51 submissions from 51 submitters: Benign (1). 50 of the submissions do not count toward it. Last evaluated 2015-08-10.

Conditions:
BRCA2-related cancer predisposition. Identifiers: MedGen CN377758, MONDO:0700269.
Breast and/or ovarian cancer. Identifiers: MedGen CN221562.
Hereditary cancer-predisposing syndrome. Also called: Neoplastic Syndromes, Hereditary; Hereditary neoplastic syndrome; Hereditary Cancer Syndrome; Tumor predisposition. Identifiers: Orphanet 140162, MedGen C0027672, MeSH D009386, MONDO:0015356.
Hereditary breast ovarian cancer syndrome. Also called: Hereditary breast and ovarian cancer syndrome (HBOC); Breast and ovarian cancer; BRCA1- and BRCA2-Associated Hereditary Breast and Ovarian Cancer; Hereditary breast and ovarian cancer syndrome; Hereditary breast and ovarian cancer; Hereditary breast and/or ovarian cancer syndrome. Identifiers: Orphanet 145, MedGen C0677776, MeSH D061325, MONDO:0003582. Disease mechanism: loss of function.
Breast-ovarian cancer, familial, susceptibility to, 2 (BROVCA2). Also called: BRCA2 Hereditary Breast and Ovarian Cancer. Identifiers: Orphanet 145, MedGen C2675520, MONDO:0012933, OMIM 612555. Disease mechanism: loss of function.
Familial cancer of breast. Also called: Hereditary breast cancer; hereditary breast carcinoma; BREAST CANCER, FAMILIAL. Identifiers: Orphanet 227535, MedGen C0346153, MONDO:0016419, OMIM 114480. Disease mechanism: loss of function.

Allele frequency attached by ClinVar (database versions not stated): gnomAD 0.00268; TOPMed 0.00383; ESP Exome Variant Server 0.00400; 1000 Genomes Project 0.00140; gnomAD exomes 0.00313; 1000 Genomes Project 30x 0.00125; ExAC 0.00325.
gnomAD v4.1: 7,283 of 1,613,692 alleles (0.45%); highest among the groups gnomAD compares: Non-Finnish European, 0.56%; 22 homozygotes.

Submissions 1 to 22 of 51:

Evidence-based Network for the Interpretation of Germline Mutant Alleles (ENIGMA)
Classification: Benign for Breast-ovarian cancer, familial 2. Last evaluated: 2015-08-10. Review status: reviewed by expert panel. Criteria: ENIGMA BRCA1/2 Classification Criteria (2015). Collection method: curation. Allele origin: germline.
Comment: IARC class based on posterior probability from multifactorial likelihood analysis, thresholds for class as per Plon et al. 2008 (PMID: 18951446). Class 1 based on posterior probability = 0.00000571

CeGaT Center for Human Genetics Tuebingen
Classification: Likely benign. Last evaluated: 2026-09-01. Review status: criteria provided, single submitter. Criteria: CeGaT Center For Human Genetics Tuebingen Variant Classification Criteria Version 2. Collection method: clinical testing. Allele origin: germline. Affected: yes. Observed: 50 variant alleles. Not counted in ClinVar's aggregate classification.
Comment: BRCA2: BP4, BS2

Labcorp Genetics (formerly Invitae), Labcorp
Classification: Benign for Hereditary breast ovarian cancer syndrome. Last evaluated: 2026-02-04. Review status: criteria provided, single submitter. Criteria: Invitae Variant Classification Sherloc (09022015). Collection method: clinical testing. Allele origin: germline. Not counted in ClinVar's aggregate classification.

Dasa
Classification: Benign. Last evaluated: 2025-11-04. Review status: criteria provided, single submitter. Criteria: DASA Assertion Criteria. Collection method: clinical testing. Allele origin: germline. Not counted in ClinVar's aggregate classification.
Comment: NM_000059.4(BRCA2):c.6100C>T (p.Arg2034Cys) is interpreted as benign based on a combination of available evidence, including population frequency. Based on the available data, this variant is classified as benign.

ARUP Laboratories, Molecular Genetics and Genomics, ARUP Laboratories
Classification: Benign. Last evaluated: 2025-07-23. Review status: criteria provided, single submitter. Criteria: ARUP Molecular Germline Variant Investigation Process 2024. Collection method: clinical testing. Allele origin: germline. Not counted in ClinVar's aggregate classification.

Laboratorio de I+D, Fundación Centro Médico de Asturias
Classification: Benign for Hereditary cancer-predisposing syndrome. Last evaluated: 2025-07-09. Review status: criteria provided, single submitter. Criteria: ACMG Guidelines, 2015. Collection method: clinical testing. Allele origin: germline. Not counted in ClinVar's aggregate classification.
Comment: BS1+BS2+BP1_Strong+BP4_Strong

Center for Genomic Medicine, Rigshospitalet, Copenhagen University Hospital
Classification: Benign. Last evaluated: 2025-03-04. Review status: criteria provided, single submitter. Criteria: ACMG Guidelines, 2015. Collection method: clinical testing. Allele origin: germline. Not counted in ClinVar's aggregate classification.

KCCC/NGS Laboratory, Kuwait Cancer Control Center
Classification: Benign for Familial cancer of breast. Last evaluated: 2025-02-01. Review status: criteria provided, single submitter. Criteria: ACMG Guidelines, 2015. Collection method: clinical testing. Allele origin: germline. Affected: no. Not counted in ClinVar's aggregate classification.

Blueprint Genetics
Classification: Likely benign. Last evaluated: 2024-11-27. Review status: criteria provided, single submitter. Criteria: ACMG Guidelines, 2015. Collection method: clinical testing. Allele origin: germline. Not counted in ClinVar's aggregate classification.

All of Us Research Program, National Institutes of Health
Classification: Benign for BRCA2-related cancer predisposition. Last evaluated: 2024-09-27. Review status: criteria provided, single submitter. Criteria: ACMG Guidelines, 2015. Collection method: clinical testing. Allele origin: germline. Inheritance: Autosomal dominant inheritance. Observed: 1,320 variant alleles, 1,316 heterozygotes, 4 homozygotes. Not counted in ClinVar's aggregate classification.
Comment: This study involves interpretation of variants in research participants for the purpose of population health screening. Participant phenotype was not available at the time of variant classification. Additional details can be found in publication PMID: 35346344, PMCID: PMC8962531

CHEO Genetics Diagnostic Laboratory, Children's Hospital of Eastern Ontario
Classification: Benign for Breast and/or ovarian cancer. Last evaluated: 2022-10-12. Review status: criteria provided, single submitter. Criteria: ACMG Guidelines, 2015. Collection method: clinical testing. Allele origin: germline. Not counted in ClinVar's aggregate classification.

Clinical Genetics Laboratory, Skane University Hospital Lund
Classification: Benign. Last evaluated: 2022-05-27. Review status: criteria provided, single submitter. Criteria: ACMG Guidelines, 2015. Collection method: clinical testing. Allele origin: germline. Affected: yes. Not counted in ClinVar's aggregate classification.

National Health Laboratory Service, Universitas Academic Hospital and University of the Free State
Classification: Benign for Hereditary breast ovarian cancer syndrome. Last evaluated: 2021-11-16. Review status: criteria provided, single submitter. Criteria: ACMG Guidelines, 2015. Collection method: clinical testing. Allele origin: germline. Affected: yes. Observed: 3 variant alleles. Not counted in ClinVar's aggregate classification.

Institute for Clinical Genetics, University Hospital TU Dresden, University Hospital TU Dresden
Classification: Benign. Last evaluated: 2021-11-03. Review status: criteria provided, single submitter. Criteria: ACMG Guidelines, 2015. Collection method: clinical testing. Allele origin: germline. Not counted in ClinVar's aggregate classification.

Genetics Program, Instituto Nacional de Cancer
Classification: Likely benign for Hereditary breast ovarian cancer syndrome. Last evaluated: 2021-11-01. Review status: criteria provided, single submitter. Criteria: ACMG Guidelines, 2015. Collection method: research. Allele origin: germline. Affected: yes. Not counted in ClinVar's aggregate classification.

Sema4
Classification: Benign for Hereditary cancer-predisposing syndrome. Last evaluated: 2020-09-18. Review status: criteria provided, single submitter. Criteria: Sema4 Curation Guidelines. Collection method: curation. Allele origin: germline. Not counted in ClinVar's aggregate classification.

Mendelics
Classification: Likely benign for Breast-ovarian cancer, familial, susceptibility to, 2. Last evaluated: 2019-05-28. Review status: criteria provided, single submitter. Criteria: Mendelics Assertion Criteria 2017. Collection method: clinical testing. Allele origin: unknown. Not counted in ClinVar's aggregate classification.

Institute of Human Genetics, University of Leipzig Medical Center
Classification: Uncertain significance for Breast-ovarian cancer, familial, susceptibility to, 2. Last evaluated: 2018-11-12. Review status: criteria provided, single submitter. Criteria: ACMG Guidelines, 2015. Collection method: clinical testing. Allele origin: germline. Affected: yes. Observed: 1 variant allele. Not counted in ClinVar's aggregate classification.

Illumina Laboratory Services, Illumina
Classification: Likely benign for Breast-ovarian cancer, familial, susceptibility to, 2. Last evaluated: 2018-02-27. Review status: criteria provided, single submitter. Criteria: ICSL Variant Classification Criteria 13 December 2019. Collection method: clinical testing. Allele origin: germline. Not counted in ClinVar's aggregate classification.
Comment: This variant was observed as part of a predisposition screen in an ostensibly healthy population. A literature search was performed for the gene, cDNA change, and amino acid change (where applicable). Publications were found based on this search. The evidence from the literature, in combination with allele frequency data from public databases where available, was sufficient to determine this variant is unlikely to cause disease. Therefore, this variant is classified as likely benign.

Department of Pathology and Molecular Medicine, Queen's University
Classification: Benign. Last evaluated: 2017-04-20. Review status: criteria provided, single submitter. Criteria: ACMG Guidelines, 2015. Collection method: clinical testing. Allele origin: germline. Study: The Canadian Open Genetics Repository (COGR). Not counted in ClinVar's aggregate classification.

Cancer Genetics and Genomics Laboratory, British Columbia Cancer Agency
Classification: Benign. Last evaluated: 2017-04-18. Review status: criteria provided, single submitter. Criteria: ACMG Guidelines, 2015. Collection method: clinical testing. Allele origin: germline. Study: The Canadian Open Genetics Repository (COGR). Not counted in ClinVar's aggregate classification.

Genetic Services Laboratory, University of Chicago
Classification: Benign. Last evaluated: 2017-03-16. Review status: criteria provided, single submitter. Criteria: ACMG Guidelines, 2015. Collection method: clinical testing. Allele origin: germline. Affected: no. Not counted in ClinVar's aggregate classification.